The following is an entry in ClinVar:

ClinVar aggregate classification (germline): Uncertain significance (1 of 4 stars; one submission).

Conditions:
Hereditary diffuse gastric adenocarcinoma (HDGC). Also called: DIFFUSE GASTRIC AND LOBULAR BREAST CANCER SYNDROME. Identifiers: Orphanet 26106, MedGen C1708349, MONDO:0007648, OMIM 137215.

Submission:

European Reference Network on Genetic Tumour Risk Syndromes (ERN-GENTURIS), i3s - Instituto de Investigação e Inovação em Saúde, University of Porto
Classification: Uncertain significance for Hereditary diffuse gastric adenocarcinoma. Last evaluated: 2022-08-01. Review status: criteria provided, single submitter. Criteria: Lee et al. (Hum Mutat. 2018). Collection method: clinical testing. Allele origin: germline. Inheritance: Autosomal dominant inheritance. Affected: no. Study: ERN GENTURIS.
Comment: PM2 (PMID: 30311375)

Literature cited by the submitters: PubMed 36436516.

NM_004360.5(CDH1):c.164-6579_164-1957del

Gene: CDH1 (cadherin 1; plus strand). Cytogenetic location: 16q22.1.
Variant type: Deletion.
Coding change: c.164-6579_164-1957del on transcript NM_004360.5 (MANE Select); 6579 bases into the intron before coding-DNA position 164 through 1957 bases into the intron before coding-DNA position 164, 4,623 bases deleted.
Molecular consequence: intron variant.
Genome position (GRCh38, 1-based): chr16:68,795,091-68,799,713, 4,623 bases deleted. GRCh37 (hg19): chr16:68,828,994-68,833,616.
Other names: c.164-6579_164-1957del (NM_001317184.2); c.-1452-6579_-1452-1957del (NM_001317185.2); c.-1656-6579_-1656-1957del (NM_001317186.2).
Identifiers: ClinVar variation 2503024 (VCV002503024.1), ClinGen allele CA2580612818.